The following is an entry in ClinVar:

ClinVar aggregate classification (germline): Uncertain significance (1 of 4 stars; one submission).

Conditions:
Epidermodysplasia verruciformis. Identifiers: Orphanet 302, MedGen C0014522, MONDO:0009176.

Allele frequency attached by ClinVar (database versions not stated): TOPMed 0.00002.
gnomAD v4.1: 1 of 1,613,662 alleles (0.000062%); highest among the groups gnomAD compares: Admixed American, 0.0017%; no homozygotes.

Submission:

Labcorp Genetics (formerly Invitae), Labcorp
Classification: Uncertain significance for Epidermodysplasia verruciformis. Last evaluated: 2024-01-26. Review status: criteria provided, single submitter. Criteria: Invitae Variant Classification Sherloc (09022015). Collection method: clinical testing. Allele origin: germline.
Comment: This sequence change replaces leucine, which is neutral and non-polar, with valine, which is neutral and non-polar, at codon 206 of the TMC8 protein (p.Leu206Val). This variant is not present in population databases (gnomAD no frequency). This variant has not been reported in the literature in individuals affected with TMC8-related conditions. ClinVar contains an entry for this variant (Variation ID: 946418). Advanced modeling of protein sequence and biophysical properties (such as structural, functional, and spatial information, amino acid conservation, physicochemical variation, residue mobility, and thermodynamic stability) performed at Invitae indicates that this missense variant is not expected to disrupt TMC8 protein function with a negative predictive value of 80%. In summary, the available evidence is currently insufficient to determine the role of this variant in disease. Therefore, it has been classified as a Variant of Uncertain Significance.

NM_152468.5(TMC8):c.616C>G (p.Leu206Val)

Gene: TMC8 (transmembrane channel like 8; plus strand). Cytogenetic location: 17q25.3.
Variant type: single nucleotide variant.
Coding change: c.616C>G on transcript NM_152468.5 (MANE Select); coding-DNA position 616, C replaced by G.
Protein change: p.Leu206Val; replaces leucine 206 with valine.
Molecular consequence: missense variant.
Genome position (GRCh38, 1-based): chr17:78,133,490, C>G. VCF-style: chr17-78133490-C-G. GRCh37 (hg19) VCF-style: chr17-76129571-C-G.
Other names: short protein forms L206V.
Identifiers: ClinVar variation 946418 (VCV000946418.8), dbSNP rs759778569, ClinGen allele CA294360653.